The following is an entry in ClinVar:

NM_000214.3(JAG1):c.3206T>C (p.Leu1069Pro)

Gene: JAG1 (jagged canonical Notch ligand 1; minus strand). Cytogenetic location: 20p12.2.
Variant type: single nucleotide variant.
Coding change: c.3206T>C on transcript NM_000214.3 (MANE Select); coding-DNA position 3206, T replaced by C.
Protein change: p.Leu1069Pro; replaces leucine 1069 with proline.
Molecular consequence: missense variant.
Genome position (GRCh38, 1-based): chr20:10,639,949, A>G on the plus strand (T>C on the coding strand, the complement: JAG1 is on the minus strand). VCF-style: chr20-10639949-A-G. GRCh37 (hg19) VCF-style: chr20-10620597-A-G.
Other names: short protein forms L1069P.
Identifiers: ClinVar variation 2800623 (VCV002800623.3), dbSNP rs2514506767, ClinGen allele CA408243775.

ClinVar aggregate classification (germline): Uncertain significance (1 of 4 stars; one submission).

Conditions:
Alagille syndrome due to a JAG1 point mutation. Also called: Alagille Syndrome 1; HEPATIC DUCTULAR HYPOPLASIA, SYNDROMATIC; JAG1-Related Alagille Syndrome. Identifiers: Orphanet 261619, Orphanet 52, MedGen C1956125, MONDO:0016862, OMIM 118450.

gnomAD v4.1: 1 of 1,613,824 alleles (0.000062%); highest among the groups gnomAD compares: Non-Finnish European, 0.000085%; no homozygotes.

Submission:

Labcorp Genetics (formerly Invitae), Labcorp
Classification: Uncertain significance for Alagille syndrome due to a JAG1 point mutation. Last evaluated: 2025-05-12. Review status: criteria provided, single submitter. Criteria: Invitae Variant Classification Sherloc (09022015). Collection method: clinical testing. Allele origin: germline.
Comment: This sequence change replaces leucine, which is neutral and non-polar, with proline, which is neutral and non-polar, at codon 1069 of the JAG1 protein (p.Leu1069Pro). This variant is not present in population databases (gnomAD no frequency). This variant has not been reported in the literature in individuals affected with JAG1-related conditions. ClinVar contains an entry for this variant (Variation ID: 2800623). Invitae Evidence Modeling of protein sequence and biophysical properties (such as structural, functional, and spatial information, amino acid conservation, physicochemical variation, residue mobility, and thermodynamic stability) has been performed for this missense variant. However, the output from this modeling did not meet the statistical confidence thresholds required to predict the impact of this variant on JAG1 protein function. In summary, the available evidence is currently insufficient to determine the role of this variant in disease. Therefore, it has been classified as a Variant of Uncertain Significance.